The following is an entry in ClinVar:

ClinVar aggregate classification (germline): Uncertain significance (1 of 4 stars; one submission).

gnomAD v4.1: 61 of 1,614,114 alleles (0.0038%); highest among the groups gnomAD compares: Non-Finnish European, 0.0049%; no homozygotes.

Submission:

Labcorp Genetics (formerly Invitae), Labcorp
Classification: Uncertain significance. Last evaluated: 2024-10-31. Review status: criteria provided, single submitter. Criteria: Invitae Variant Classification Sherloc (09022015). Collection method: clinical testing. Allele origin: germline.
Comment: This sequence change replaces valine, which is neutral and non-polar, with isoleucine, which is neutral and non-polar, at codon 301 of the TRMT5 protein (p.Val301Ile). This variant is present in population databases (rs149024315, gnomAD 0.009%). This variant has not been reported in the literature in individuals affected with TRMT5-related conditions. Invitae Evidence Modeling of protein sequence and biophysical properties (such as structural, functional, and spatial information, amino acid conservation, physicochemical variation, residue mobility, and thermodynamic stability) indicates that this missense variant is not expected to disrupt TRMT5 protein function with a negative predictive value of 80%. In summary, the available evidence is currently insufficient to determine the role of this variant in disease. Therefore, it has been classified as a Variant of Uncertain Significance.

NM_020810.3(TRMT5):c.901G>A (p.Val301Ile)

Gene: TRMT5 (tRNA methyltransferase 5; minus strand). Cytogenetic location: 14q23.1.
Variant type: single nucleotide variant.
Coding change: c.901G>A on transcript NM_020810.3 (MANE Select); coding-DNA position 901, G replaced by A.
Protein change: p.Val301Ile; replaces valine 301 with isoleucine.
Molecular consequence: missense variant.
Genome position (GRCh38, 1-based): chr14:60,976,018, C>T on the plus strand (G>A on the coding strand, the complement: TRMT5 is on the minus strand). VCF-style: chr14-60976018-C-T. GRCh37 (hg19) VCF-style: chr14-61442736-C-T.
Other names: c.985G>A, p.Val329Ile (NM_001350253.1); c.982G>A, p.Val328Ile (NM_001350254.1); short protein forms V301I, V328I, V329I.
Identifiers: ClinVar variation 3604092 (VCV003604092.1).
Genomic context (GRCh38, chr14:60,976,018, plus strand): 5'-AGTTTTTCTTTGCTACTGGAATGGCAAAGGGCCCAACCCCAGCAAAAACATCAAATAGGA[C>T]ATCCCCAGGTTTGAGAAGTTCTGTGATACGGCTGTGTTCTGTAGACAGACGAGGATTCCA-3'
Protein context (NP_065861.3, residues 291-311): RITELLKPGD[Val301Ile]LFDVFAGVGP